The following is an entry in ClinVar:

NM_001270508.2(TNFAIP3):c.1292C>G (p.Pro431Arg)

Gene: TNFAIP3 (TNF alpha induced protein 3; plus strand). Cytogenetic location: 6q23.3.
Variant type: single nucleotide variant.
Coding change: c.1292C>G on transcript NM_001270508.2 (MANE Select); coding-DNA position 1292, C replaced by G.
Protein change: p.Pro431Arg; replaces proline 431 with arginine.
Molecular consequence: missense variant.
Genome position (GRCh38, 1-based): chr6:137,878,737, C>G. VCF-style: chr6-137878737-C-G. GRCh37 (hg19) VCF-style: chr6-138199874-C-G.
Other names: c.1292C>G, p.Pro431Arg (NM_001270507.2, NM_006290.4); short protein forms P431R.
Identifiers: ClinVar variation 4770572 (VCV004770572.5).

ClinVar aggregate classification (germline): Conflicting classifications of pathogenicity. Review status: criteria provided, conflicting classifications (1 of 4 stars). 2 submissions from 2 submitters: Uncertain significance (1); Likely benign (1). Last evaluated 2026-02-01.

gnomAD v4.1: 24 of 1,614,006 alleles (0.0015%); highest among the groups gnomAD compares: Non-Finnish European, 0.0019%; no homozygotes.

Submissions (2):

CeGaT Center for Human Genetics Tuebingen
Classification: Likely benign. Last evaluated: 2026-02-01. Review status: criteria provided, single submitter. Criteria: CeGaT Center For Human Genetics Tuebingen Variant Classification Criteria Version 2. Collection method: clinical testing. Allele origin: germline. Affected: yes. Observed: 1 variant allele.
Comment: TNFAIP3: BP4

Labcorp Genetics (formerly Invitae), Labcorp
Classification: Uncertain significance. Last evaluated: 2025-12-16. Review status: criteria provided, single submitter. Criteria: Invitae Variant Classification Sherloc (09022015). Collection method: clinical testing. Allele origin: germline.
Comment: This sequence change replaces proline, which is neutral and non-polar, with arginine, which is basic and polar, at codon 431 of the TNFAIP3 protein (p.Pro431Arg). This variant is present in population databases (no rsID available, gnomAD 0.002%). This variant has not been reported in the literature in individuals affected with TNFAIP3-related conditions. Invitae Evidence Modeling of protein sequence and biophysical properties (such as structural, functional, and spatial information, amino acid conservation, physicochemical variation, residue mobility, and thermodynamic stability) indicates that this missense variant is not expected to disrupt TNFAIP3 protein function with a negative predictive value of 80%. In summary, the available evidence is currently insufficient to determine the role of this variant in disease. Therefore, it has been classified as a Variant of Uncertain Significance.